The following is an entry in ClinVar:

ClinVar aggregate classification (germline): Uncertain significance (1 of 4 stars; one submission).

Submission:

Labcorp Genetics (formerly Invitae), Labcorp
Classification: Uncertain significance. Last evaluated: 2023-08-04. Review status: criteria provided, single submitter. Criteria: Invitae Variant Classification Sherloc (09022015). Collection method: clinical testing. Allele origin: germline.
Comment: This variant is not present in population databases (gnomAD no frequency). This variant, c.1062_1070del, results in the deletion of 3 amino acid(s) of the TNFRSF11A protein (p.Gln355_Thr357del), but otherwise preserves the integrity of the reading frame. This variant has not been reported in the literature in individuals affected with TNFRSF11A-related conditions. ClinVar contains an entry for this variant (Variation ID: 1950282). Experimental studies and prediction algorithms are not available or were not evaluated, and the functional significance of this variant is currently unknown. In summary, the available evidence is currently insufficient to determine the role of this variant in disease. Therefore, it has been classified as a Variant of Uncertain Significance.

NM_003839.4(TNFRSF11A):c.1062_1070del (p.Gln355_Thr357del)

Gene: TNFRSF11A (TNF receptor superfamily member 11a; plus strand). Cytogenetic location: 18q21.33.
Variant type: Deletion.
Coding change: c.1062_1070del on transcript NM_003839.4 (MANE Select); coding-DNA positions 1062 to 1070, 9 bases deleted (CCAGCCCAC; older notation c.1062_1070delCCAGCCCAC).
Protein change: p.Gln355_Thr357del.
Molecular consequence: inframe deletion. On other transcripts: intron variant (3).
Genome position (GRCh38, 1-based): chr18:62,368,979-62,368,987, CCAGCCCAC deleted; deleting any 9 consecutive bases within chr18:62,368,978-62,368,987 gives the same sequence; the c. name uses the placement nearest the transcript's 3' end. VCF-style (leftmost placement, unchanged base first): chr18-62368977-TCCCAGCCCA-T. GRCh37 (hg19) VCF-style: chr18-60036210-TCCCAGCCCA-T.
Other names: c.1020_1028del, p.Gln341_Thr343del (NM_001278268.2); c.783+2219_783+2227del (NM_001270949.2); c.730+7186_730+7194del (NM_001270950.2); c.616+8930_616+8938del (NM_001270951.2).
Identifiers: ClinVar variation 1950282 (VCV001950282.5), dbSNP rs1910306851, ClinGen allele CA2308289193.